The following is an entry in ClinVar:

NM_004370.6(COL12A1):c.4514T>C (p.Leu1505Ser)

Gene: COL12A1 (collagen type XII alpha 1 chain; minus strand). Cytogenetic location: 6q13.
Variant type: single nucleotide variant.
Coding change: c.4514T>C on transcript NM_004370.6 (MANE Select); coding-DNA position 4514, T replaced by C.
Protein change: p.Leu1505Ser; replaces leucine 1505 with serine.
Molecular consequence: missense variant.
Genome position (GRCh38, 1-based): chr6:75,146,148, A>G on the plus strand (T>C on the coding strand, the complement: COL12A1 is on the minus strand). VCF-style: chr6-75146148-A-G. GRCh37 (hg19) VCF-style: chr6-75855864-A-G.
Other names: c.1022T>C, p.Leu341Ser (NM_080645.3); short protein forms L341S, L1505S.
Identifiers: ClinVar variation 2161913 (VCV002161913.4), dbSNP rs2533363089, ClinGen allele CA364743633.

ClinVar aggregate classification (germline): Uncertain significance (1 of 4 stars; one submission).

Conditions:
Ullrich congenital muscular dystrophy 2 (UCMD2). Identifiers: Orphanet 75840, MedGen C4225314, MONDO:0014654, OMIM 616470.
Bethlem myopathy 2 (BTHLM2). Identifiers: Orphanet 536516, Orphanet 610, MedGen C4225313, MONDO:0034022, OMIM 616471.

Allele frequency attached by ClinVar (database versions not stated): gnomAD exomes below 0.00001.
gnomAD v4.1: 5 of 1,613,078 alleles (0.00031%); highest among the groups gnomAD compares: Non-Finnish European, 0.00042%; no homozygotes.

Submission:

Labcorp Genetics (formerly Invitae), Labcorp
Classification: Uncertain significance for Bethlem myopathy 2; Ullrich congenital muscular dystrophy 2. Last evaluated: 2025-06-03. Review status: criteria provided, single submitter. Criteria: Invitae Variant Classification Sherloc (09022015). Collection method: clinical testing. Allele origin: germline.
Comment: This sequence change replaces leucine, which is neutral and non-polar, with serine, which is neutral and polar, at codon 1505 of the COL12A1 protein (p.Leu1505Ser). This variant is not present in population databases (gnomAD no frequency). This variant has not been reported in the literature in individuals affected with COL12A1-related conditions. ClinVar contains an entry for this variant (Variation ID: 2161913). Invitae Evidence Modeling of protein sequence and biophysical properties (such as structural, functional, and spatial information, amino acid conservation, physicochemical variation, residue mobility, and thermodynamic stability) indicates that this missense variant is not expected to disrupt COL12A1 protein function with a negative predictive value of 80%. In summary, the available evidence is currently insufficient to determine the role of this variant in disease. Therefore, it has been classified as a Variant of Uncertain Significance.